The following is an entry in ClinVar:

ClinVar aggregate classification (germline): Uncertain significance. Review status: criteria provided, multiple submitters, no conflicts (2 of 4 stars). 3 submissions from 3 submitters: Uncertain significance (2). 1 of the submissions does not count toward it. Last evaluated 2024-09-04.

Conditions:
Oculocutaneous albinism type 1A (OCA1A). Also called: Albinism, oculocutaneous, type IA. Identifiers: Orphanet 352731, Orphanet 79431, MedGen C4551504, MONDO:0008745, OMIM 203100. Disease mechanism: loss of function.

Submissions (3):

Women's Health and Genetics/Laboratory Corporation of America, LabCorp
Classification: Uncertain significance. Last evaluated: 2024-09-04. Review status: criteria provided, single submitter. Criteria: LabCorp Variant Classification Summary - May 2015. Collection method: clinical testing. Allele origin: germline.
Comment: Variant summary: TYR c.965T>C (p.Leu322Pro) results in a non-conservative amino acid change located in the Tyrosinase copper-binding domain (IPR002227) of the encoded protein sequence. Five of five in-silico tools predict a damaging effect of the variant on protein function. The variant allele was found at a frequency of 4e-06 in 251182 control chromosomes. The available data on variant occurrences in the general population are insufficient to allow any conclusion about variant significance. c.965T>C has been reported in the literature in the presumed compound heterozygous state in at least 1 individual affected with clinical features of Oculocutaneous Albinism (example, Wei_2022). These data do not allow any conclusion about variant significance. To our knowledge, no experimental evidence demonstrating an impact on protein function has been reported. The following publication has been ascertained in the context of this evaluation (PMID: 34838614). No submitters have cited clinical-significance assessments for this variant to ClinVar. Based on the evidence outlined above, the variant was classified as uncertain significance.

Blueprint Genetics
Classification: Uncertain significance. Last evaluated: 2021-01-27. Review status: criteria provided, single submitter. Criteria: ACMG Guidelines, 2015. Collection method: clinical testing. Allele origin: germline.

Beijing Key Laboratry for Genetics of Birth Defects, Beijing Children's Hospital
Classification: Likely pathogenic for Oculocutaneous albinism type 1A. Review status: no assertion criteria provided. Criteria: ACMG Guidelines, 2015. Collection method: research. Allele origin: maternal. Affected: yes. Not counted in ClinVar's aggregate classification.

Literature cited by the submitters: PubMed 34838614 (cited by Women's Health and Genetics/Laboratory Corporation of America, LabCorp).

NM_000372.5(TYR):c.965T>C (p.Leu322Pro)

Gene: TYR (tyrosinase; plus strand). Cytogenetic location: 11q14.3.
Variant type: single nucleotide variant.
Coding change: c.965T>C on transcript NM_000372.5 (MANE Select); coding-DNA position 965, T replaced by C.
Protein change: p.Leu322Pro; replaces leucine 322 with proline.
Molecular consequence: missense variant.
Genome position (GRCh38, 1-based): chr11:89,191,347, T>C. VCF-style: chr11-89191347-T-C. GRCh37 (hg19) VCF-style: chr11-88924515-T-C.
Other names: short protein forms L322P.
Identifiers: ClinVar variation 3375076 (VCV003375076.3).